The following is an entry in ClinVar:

ClinVar aggregate classification (germline): Uncertain significance (1 of 4 stars; one submission).

Conditions:
Nemaline myopathy 2 (NEM2). Also called: Nemaline myopathy 2, autosomal recessive. Identifiers: MedGen C1850569, MONDO:0009725, OMIM 256030.

gnomAD v4.1: 3 of 1,613,916 alleles (0.00019%); highest among the groups gnomAD compares: Non-Finnish European, 0.00017%; no homozygotes.

Submission:

Labcorp Genetics (formerly Invitae), Labcorp
Classification: Uncertain significance for Nemaline myopathy 2. Last evaluated: 2023-07-10. Review status: criteria provided, single submitter. Criteria: Invitae Variant Classification Sherloc (09022015). Collection method: clinical testing. Allele origin: germline.
Comment: In summary, the available evidence is currently insufficient to determine the role of this variant in disease. Therefore, it has been classified as a Variant of Uncertain Significance. Experimental studies and prediction algorithms are not available or were not evaluated, and the functional significance of this variant is currently unknown. This sequence change replaces glycine, which is neutral and non-polar, with alanine, which is neutral and non-polar, at codon 3638 of the NEB protein (p.Gly3638Ala). This variant is not present in population databases (gnomAD no frequency). This variant has not been reported in the literature in individuals affected with NEB-related conditions.

NM_001164508.2(NEB):c.10913G>C (p.Gly3638Ala)

Gene: NEB (nebulin; minus strand). Cytogenetic location: 2q23.3.
Variant type: single nucleotide variant.
Coding change: c.10913G>C on transcript NM_001164508.2 (MANE Select); coding-DNA position 10913, G replaced by C.
Protein change: p.Gly3638Ala; replaces glycine 3638 with alanine.
Molecular consequence: missense variant.
Genome position (GRCh38, 1-based): chr2:151,618,438, C>G on the plus strand (G>C on the coding strand, the complement: NEB is on the minus strand). VCF-style: chr2-151618438-C-G. GRCh37 (hg19) VCF-style: chr2-152474952-C-G.
Other names: c.10913G>C, p.Gly3638Ala (NM_001164507.2, NM_001271208.2); c.10184G>C, p.Gly3395Ala (NM_004543.5); short protein forms G3638A, G3395A.
Identifiers: ClinVar variation 2728841 (VCV002728841.3), dbSNP rs370161504, ClinGen allele CA348786546.